The following is an entry in ClinVar:

ClinVar aggregate classification (germline): Uncertain significance (1 of 4 stars; one submission).

Conditions:
Glycine encephalopathy. Also called: Nonketotic hyperglycinemia; Non-ketotic hyperglycinemia. Identifiers: Orphanet 407, MedGen C0751748, MONDO:0011612, HP:0008288.

Allele frequency attached by ClinVar (database versions not stated): gnomAD exomes below 0.00001 and 0.00001; TOPMed below 0.00001; gnomAD 0.00001.
gnomAD v4.1: 4 of 1,610,888 alleles (0.00025%); highest among the groups gnomAD compares: Admixed American, 0.0017%; no homozygotes.

Submission:

Labcorp Genetics (formerly Invitae), Labcorp
Classification: Uncertain significance for Glycine encephalopathy. Last evaluated: 2022-07-05. Review status: criteria provided, single submitter. Criteria: Invitae Variant Classification Sherloc (09022015). Collection method: clinical testing. Allele origin: germline.
Comment: In summary, the available evidence is currently insufficient to determine the role of this variant in disease. Therefore, it has been classified as a Variant of Uncertain Significance. Algorithms developed to predict the effect of sequence changes on RNA splicing suggest that this variant may disrupt the consensus splice site. Algorithms developed to predict the effect of missense changes on protein structure and function (SIFT, PolyPhen-2, Align-GVGD) all suggest that this variant is likely to be tolerated. ClinVar contains an entry for this variant (Variation ID: 1060702). This variant has not been reported in the literature in individuals affected with GCSH-related conditions. This variant is present in population databases (no rsID available, gnomAD 0.0009%). This sequence change replaces glutamic acid, which is acidic and polar, with aspartic acid, which is acidic and polar, at codon 77 of the GCSH protein (p.Glu77Asp).

NM_004483.5(GCSH):c.231A>C (p.Glu77Asp)

Gene: GCSH (glycine cleavage system protein H; minus strand). Cytogenetic location: 16q23.2.
Variant type: single nucleotide variant.
Coding change: c.231A>C on transcript NM_004483.5 (MANE Select); coding-DNA position 231, A replaced by C.
Protein change: p.Glu77Asp; replaces glutamic acid 77 with aspartic acid.
Molecular consequence: missense variant.
Genome position (GRCh38, 1-based): chr16:81,087,662, T>G on the plus strand (A>C on the coding strand, the complement: GCSH is on the minus strand). VCF-style: chr16-81087662-T-G. GRCh37 (hg19) VCF-style: chr16-81121267-T-G.
Other names: short protein forms E77D.
Identifiers: ClinVar variation 1060702 (VCV001060702.9), dbSNP rs1236344907, ClinGen allele CA396887464.